The following is an entry in ClinVar:

ClinVar aggregate classification (germline): Uncertain significance. Review status: criteria provided, single submitter (1 of 4 stars). 2 submissions from 2 submitters: Uncertain significance (1). 1 of the submissions does not count toward it. Last evaluated 2021-10-14.

Conditions:
Alstrom syndrome (ALMS). Identifiers: Orphanet 64, MedGen C0268425, MONDO:0008763, OMIM 203800.

Submissions (2):

Labcorp Genetics (formerly Invitae), Labcorp
Classification: Uncertain significance for Alstrom syndrome. Last evaluated: 2021-10-14. Review status: criteria provided, single submitter. Criteria: Invitae Variant Classification Sherloc (09022015). Collection method: clinical testing. Allele origin: germline.
Comment: This sequence change replaces glutamic acid with lysine at codon 284 of the ALMS1 protein (p.Glu284Lys). The glutamic acid residue is moderately conserved and there is a small physicochemical difference between glutamic acid and lysine. This variant is not present in population databases (ExAC no frequency). This variant has not been reported in the literature in individuals affected with ALMS1-related conditions. Experimental studies and prediction algorithms are not available or were not evaluated, and the functional significance of this variant is currently unknown. In summary, the available evidence is currently insufficient to determine the role of this variant in disease. Therefore, it has been classified as a Variant of Uncertain Significance.

Natera, Inc.
Classification: Uncertain significance for Alstrom syndrome. Last evaluated: 2025-03-18. Review status: no assertion criteria provided. Collection method: clinical testing. Allele origin: germline. Not counted in ClinVar's aggregate classification.

NM_001378454.1(ALMS1):c.847G>A (p.Glu283Lys)

Gene: ALMS1 (ALMS1 centrosome and basal body associated protein; plus strand). Cytogenetic location: 2p13.1.
Variant type: single nucleotide variant.
Coding change: c.847G>A on transcript NM_001378454.1 (MANE Select); coding-DNA position 847, G replaced by A.
Protein change: p.Glu283Lys; replaces glutamic acid 283 with lysine.
Molecular consequence: missense variant.
Genome position (GRCh38, 1-based): chr2:73,424,512, G>A. VCF-style: chr2-73424512-G-A. GRCh37 (hg19) VCF-style: chr2-73651640-G-A.
Other names: c.850G>A, p.Glu284Lys (NM_015120.4); short protein forms E283K, E284K.
Identifiers: ClinVar variation 1386922 (VCV001386922.7), dbSNP rs780066739, ClinGen allele CA347260609.